The following is an entry in ClinVar:

ClinVar aggregate classification (germline): Uncertain significance. Review status: reviewed by expert panel (3 of 4 stars). 2 submissions from 2 submitters: Uncertain significance (1). 1 of the submissions does not count toward it. Last evaluated 2026-09-21.

Conditions:
Alexander disease (ALXDRD). Also called: Alexander's disease. Identifiers: Orphanet 58, MedGen C0270726, MONDO:0008752, OMIM 203450.

Allele frequency attached by ClinVar (database versions not stated): gnomAD 0.00001; gnomAD exomes 0.00001; ExAC 0.00002.
gnomAD v4.1: 18 of 1,613,318 alleles (0.0011%); highest among the groups gnomAD compares: African/African-American, 0.0027%; no homozygotes.

Submissions (2):

ClinGen Leukodystrophy and Leukoencephalopathy Variant Curation Expert Panel, ClinGen
Classification: Uncertain significance for Alexander disease. Last evaluated: 2026-09-21. Review status: reviewed by expert panel. Criteria: ClinGen Leuko ACMG Specifications GFAP V1.0. Collection method: curation. Allele origin: germline. Inheritance: Autosomal dominant inheritance.
Comment: The c.407G>A (NM_0002055.5) variant in GFAP is a missense variant predicted to cause substitution of arginine by glutamine at amino acid 136 (p.Arg136Gln). The GrpMax filtering allele frequency in gnomAD v4.1.1 is 0.000009890 from the African/African-American genetic ancestry group (the lower threshold of the 95% CI of 15/1461114 alleles), which is lower than the ClinGen Leukodystrophy and Leukoencephalopathy VCEP threshold (>0.00001) for BS1, and therefore this criterion is not met. This variant has been reported as paternally inherited in 1 proband meeting consistent diagnosis of Alexander Disease per ClinGen Leukodystrophy and Leukoencephalopathy Expert Panel Specifications to the ACMG/AMP Variant Interpretation Guidelines for GFAP Version 1.0.0 (PS4_Not Met; Internal lab contributors). The GFAP levels in blood and plasma were found at normal levels. In summary, this variant meets the criteria to be classified as uncertain significance due to insufficient evidence for Autosomal Dominant Alexander disease based on the ACMG/AMP criteria applied, as specified by the ClinGen Leukodystrophy and Leukoencephalopathy Expert Panel: No criteria. (ClinGen Leukodystrophy and Leukoencephalopathy VCEP Specifications Version 1.0.0)

Labcorp Genetics (formerly Invitae), Labcorp
Classification: Uncertain significance. Last evaluated: 2022-03-18. Review status: criteria provided, single submitter. Criteria: Invitae Variant Classification Sherloc (09022015). Collection method: clinical testing. Allele origin: germline. Not counted in ClinVar's aggregate classification.
Comment: This sequence change replaces arginine, which is basic and polar, with glutamine, which is neutral and polar, at codon 136 of the GFAP protein (p.Arg136Gln). This variant is present in population databases (rs764939072, gnomAD 0.003%). This variant has not been reported in the literature in individuals affected with GFAP-related conditions. Algorithms developed to predict the effect of missense changes on protein structure and function (SIFT, PolyPhen-2, Align-GVGD) all suggest that this variant is likely to be disruptive. In summary, the available evidence is currently insufficient to determine the role of this variant in disease. Therefore, it has been classified as a Variant of Uncertain Significance.

NM_002055.5(GFAP):c.407G>A (p.Arg136Gln)

Gene: GFAP (glial fibrillary acidic protein; minus strand). Cytogenetic location: 17q21.31.
Variant type: single nucleotide variant.
Coding change: c.407G>A on transcript NM_002055.5 (MANE Select); coding-DNA position 407, G replaced by A.
Protein change: p.Arg136Gln; replaces arginine 136 with glutamine.
Molecular consequence: missense variant.
Genome position (GRCh38, 1-based): chr17:44,915,080, C>T on the plus strand (G>A on the coding strand, the complement: GFAP is on the minus strand). VCF-style: chr17-44915080-C-T. GRCh37 (hg19) VCF-style: chr17-42992448-C-T.
Other names: NM_002055.5(GFAP):c.407G>A; p.Arg136Gln; c.407G>A, p.Arg136Gln (NM_001131019.3, NM_001242376.3, NM_001363846.2); short protein forms R136Q.
Identifiers: ClinVar variation 2066548 (VCV002066548.5), dbSNP rs764939072, ClinGen allele CA8609036.